The following is an entry in ClinVar:

NM_004260.4(RECQL4):c.1037C>T (p.Ala346Val)

Gene: RECQL4 (RecQ like helicase 4; minus strand). Cytogenetic location: 8q24.3.
Variant type: single nucleotide variant.
Coding change: c.1037C>T on transcript NM_004260.4 (MANE Select); coding-DNA position 1037, C replaced by T.
Protein change: p.Ala346Val; replaces alanine 346 with valine.
Molecular consequence: missense variant.
Genome position (GRCh38, 1-based): chr8:144,516,082, G>A on the plus strand (C>T on the coding strand, the complement: RECQL4 is on the minus strand). VCF-style: chr8-144516082-G-A. GRCh37 (hg19) VCF-style: chr8-145741466-G-A.
Other names: short protein forms A346V.
Identifiers: ClinVar variation 859422 (VCV000859422.6), dbSNP rs746740293, ClinGen allele CA4949104.

ClinVar aggregate classification (germline): Uncertain significance. Review status: criteria provided, multiple submitters, no conflicts (2 of 4 stars). 2 submissions from 2 submitters: Uncertain significance (2). Last evaluated 2025-08-24.

Conditions:
Baller-Gerold syndrome (BGS). Also called: CRANIOSYNOSTOSIS WITH RADIAL DEFECTS. Identifiers: Orphanet 1225, MedGen C0265308, MONDO:0009039, OMIM 218600.
Inborn genetic diseases. Identifiers: MedGen C0950123, MeSH D030342.

Allele frequency attached by ClinVar (database versions not stated): ExAC 0.00001; gnomAD 0.00001; gnomAD exomes 0.00001.
gnomAD v4.1: 10 of 1,612,560 alleles (0.00062%); highest among the groups gnomAD compares: South Asian, 0.0099%; no homozygotes.

Submissions (2):

Labcorp Genetics (formerly Invitae), Labcorp
Classification: Uncertain significance for Baller-Gerold syndrome. Last evaluated: 2025-08-24. Review status: criteria provided, single submitter. Criteria: Invitae Variant Classification Sherloc (09022015). Collection method: clinical testing. Allele origin: germline.
Comment: This sequence change replaces alanine, which is neutral and non-polar, with valine, which is neutral and non-polar, at codon 346 of the RECQL4 protein (p.Ala346Val). This variant is present in population databases (rs746740293, gnomAD 0.01%). This variant has not been reported in the literature in individuals affected with RECQL4-related conditions. ClinVar contains an entry for this variant (Variation ID: 859422). Invitae Evidence Modeling of protein sequence and biophysical properties (such as structural, functional, and spatial information, amino acid conservation, physicochemical variation, residue mobility, and thermodynamic stability) indicates that this missense variant is not expected to disrupt RECQL4 protein function with a negative predictive value of 80%. In summary, the available evidence is currently insufficient to determine the role of this variant in disease. Therefore, it has been classified as a Variant of Uncertain Significance.

Ambry Genetics
Classification: Uncertain significance for Inborn genetic diseases. Last evaluated: 2025-01-28. Review status: criteria provided, single submitter. Criteria: Ambry Variant Classification Scheme 2023. Collection method: clinical testing. Allele origin: germline.
Comment: The p.A346V variant (also known as c.1037C>T), located in coding exon 5 of the RECQL4 gene, results from a C to T substitution at nucleotide position 1037. The alanine at codon 346 is replaced by valine, an amino acid with similar properties. This amino acid position is conserved. In addition, this alteration is predicted to be tolerated by in silico analysis. Based on the available evidence, the clinical significance of this variant remains unclear.